The following is an entry in ClinVar:

NM_000179.3(MSH6):c.4002-9_4002-6dup

Gene: MSH6 (mutS homolog 6; plus strand). Cytogenetic location: 2p16.3.
Variant type: Duplication.
Coding change: c.4002-9_4002-6dup on transcript NM_000179.3 (MANE Select); 9 bases into the intron before coding-DNA position 4002 through 6 bases into the intron before coding-DNA position 4002, 4 bases duplicated (AATT; older notation c.4002-9_4002-6dupAATT).
Molecular consequence: intron variant.
Genome position (GRCh38, 1-based): chr2:47,806,770-47,806,773, AATT duplicated; duplicating any 4 consecutive bases within chr2:47,806,768-47,806,773 gives the same sequence; the c. name uses the placement nearest the transcript's 3' end. VCF-style (leftmost placement, unchanged base first): chr2-47806767-T-TTTAA. GRCh37 (hg19) VCF-style: chr2-48033906-T-TTTAA.
Other names: c.3096-9_3096-6dup (NM_001281493.2, NM_001281494.2); c.3612-9_3612-6dup (NM_001281492.2).
Identifiers: ClinVar variation 918461 (VCV000918461.6), dbSNP rs1312887441, ClinGen allele CA532705576.

ClinVar aggregate classification (germline): Uncertain significance (1 of 4 stars; one submission).

Conditions:
Hereditary cancer-predisposing syndrome. Also called: Neoplastic Syndromes, Hereditary; Tumor predisposition; Hereditary Cancer Syndrome; Hereditary neoplastic syndrome. Identifiers: Orphanet 140162, MedGen C0027672, MeSH D009386, MONDO:0015356.

Submission:

Color Diagnostics, LLC DBA Color Health
Classification: Uncertain significance for Hereditary cancer-predisposing syndrome. Last evaluated: 2025-07-15. Review status: criteria provided, single submitter. Criteria: ACMG Guidelines, 2015. Collection method: clinical testing. Allele origin: germline.
Comment: This variant causes a duplication of 4 basepairs in the splice acceptor region of intron 9 of the MSH6 gene. Splice prediction tools suggest that this variant may disrupt RNA splicing. To our knowledge, RNA studies have not been reported for this variant. This variant has not been reported in individuals affected with MSH6-related disorders in the literature. This variant has not been identified in the general population by the Genome Aggregation Database (gnomAD). The available evidence is insufficient to determine the role of this variant in disease conclusively. Therefore, this variant is classified as a Variant of Uncertain Significance.